The following is an entry in ClinVar:

NM_033380.3(COL4A5):c.2294del (p.Pro765fs)

Gene: COL4A5 (collagen type IV alpha 5 chain; plus strand). Cytogenetic location: Xq22.3.
Variant type: Deletion.
Coding change: c.2294del on transcript NM_033380.3 (MANE Select); coding-DNA position 2294, one base deleted (C; older notation c.2294delC).
Protein change: p.Pro765fs; shifts the reading frame from proline 765.
Molecular consequence: frameshift variant.
Genome position (GRCh38, 1-based): chrX:108,606,791, C deleted; the last of 2 consecutive C bases (chrX:108,606,790-108,606,791); deleting either gives the same sequence. VCF-style (leftmost placement, unchanged base first): chrX-108606789-TC-T. GRCh37 (hg19) VCF-style: chrX-107850019-TC-T.
Other names: c.2294del, p.Pro765fs (NM_000495.5); short protein forms P765fs.
Identifiers: ClinVar variation 977198 (VCV000977198.8), dbSNP rs2066735315, ClinGen allele CA1139667742.

ClinVar aggregate classification (germline): Pathogenic/Likely pathogenic. Review status: criteria provided, multiple submitters, no conflicts (2 of 4 stars). 2 submissions from 2 submitters: Pathogenic (1); Likely pathogenic (1). Last evaluated 2023-06-09.

Submissions (2):

Labcorp Genetics (formerly Invitae), Labcorp
Classification: Pathogenic. Last evaluated: 2023-06-09. Review status: criteria provided, single submitter. Criteria: Invitae Variant Classification Sherloc (09022015). Collection method: clinical testing. Allele origin: germline.
Comment: For these reasons, this variant has been classified as Pathogenic. Algorithms developed to predict the effect of sequence changes on RNA splicing suggest that this variant may disrupt the consensus splice site. ClinVar contains an entry for this variant (Variation ID: 977198). This variant has not been reported in the literature in individuals affected with COL4A5-related conditions. This variant is not present in population databases (gnomAD no frequency). This sequence change creates a premature translational stop signal (p.Pro765Glnfs*27) in the COL4A5 gene. It is expected to result in an absent or disrupted protein product. Loss-of-function variants in COL4A5 are known to be pathogenic (PMID: 9195222, 10752524, 14514738, 24854265, 26809805).

Greenwood Genetic Center Diagnostic Laboratories, Greenwood Genetic Center
Classification: Likely pathogenic. Last evaluated: 2020-07-06. Review status: criteria provided, single submitter. Criteria: ACMG Guidelines, 2015. Collection method: clinical testing. Allele origin: germline. Affected: yes.
Comment: PVS1, PM2

Literature cited by the submitters: PubMed 9195222 (cited by Labcorp Genetics (formerly Invitae), Labcorp); PubMed 10752524 (cited by Labcorp Genetics (formerly Invitae), Labcorp); PubMed 14514738 (cited by Labcorp Genetics (formerly Invitae), Labcorp); PubMed 24854265 (cited by Labcorp Genetics (formerly Invitae), Labcorp); PubMed 26809805 (cited by Labcorp Genetics (formerly Invitae), Labcorp).